The following is an entry in ClinVar:

ClinVar aggregate classification (germline): Uncertain significance (1 of 4 stars; one submission).

Conditions:
Dyskeratosis congenita. Identifiers: Orphanet 1775, MedGen C0265965, MONDO:0015780.

Allele frequency attached by ClinVar (database versions not stated): gnomAD exomes below 0.00001; TOPMed 0.00001.
gnomAD v4.1: 1 of 1,552,802 alleles (0.000064%); highest among the groups gnomAD compares: East Asian, 0.0024%; no homozygotes.

Submission:

Labcorp Genetics (formerly Invitae), Labcorp
Classification: Uncertain significance for Dyskeratosis congenita. Last evaluated: 2023-10-04. Review status: criteria provided, single submitter. Criteria: Invitae Variant Classification Sherloc (09022015). Collection method: clinical testing. Allele origin: germline.
Comment: This sequence change replaces cysteine, which is neutral and slightly polar, with serine, which is neutral and polar, at codon 596 of the CTC1 protein (p.Cys596Ser). This variant is present in population databases (no rsID available, gnomAD 0.02%). This variant has not been reported in the literature in individuals affected with CTC1-related conditions. Advanced modeling of protein sequence and biophysical properties (such as structural, functional, and spatial information, amino acid conservation, physicochemical variation, residue mobility, and thermodynamic stability) performed at Invitae indicates that this missense variant is not expected to disrupt CTC1 protein function. In summary, the available evidence is currently insufficient to determine the role of this variant in disease. Therefore, it has been classified as a Variant of Uncertain Significance.

NM_025099.6(CTC1):c.1787G>C (p.Cys596Ser)

Gene: CTC1 (CST telomere replication complex component 1; minus strand). Cytogenetic location: 17p13.1.
Variant type: single nucleotide variant.
Coding change: c.1787G>C on transcript NM_025099.6 (MANE Select); coding-DNA position 1787, G replaced by C.
Protein change: p.Cys596Ser; replaces cysteine 596 with serine.
Molecular consequence: missense variant. On other transcripts: non-coding transcript variant (1).
Genome position (GRCh38, 1-based): chr17:8,234,486, C>G on the plus strand (G>C on the coding strand, the complement: CTC1 is on the minus strand). VCF-style: chr17-8234486-C-G. GRCh37 (hg19) VCF-style: chr17-8137804-C-G.
Other names: c.1787G>C, p.Cys596Ser (NM_001411067.1); short protein forms C596S.
Identifiers: ClinVar variation 2736694 (VCV002736694.3), dbSNP rs1358792729, ClinGen allele CA397982561.